The following is an entry in ClinVar:

NM_022367.4(SEMA4A):c.94_95delinsTT (p.Gly32Leu)

Gene: SEMA4A (semaphorin 4A; plus strand). Cytogenetic location: 1q22.
Variant type: Indel.
Coding change: c.94_95delinsTT on transcript NM_022367.4 (MANE Select); coding-DNA positions 94 to 95, GG replaced by TT.
Protein change: p.Gly32Leu; replaces glycine 32 with leucine.
Molecular consequence: missense variant. On other transcripts: 5 prime UTR variant (1), intron variant (3).
Genome position (GRCh38, 1-based): chr1:156,154,672-156,154,673, GG replaced by TT. VCF-style: chr1-156154672-GG-TT. GRCh37 (hg19) VCF-style: chr1-156124463-GG-TT.
Other names: c.94_95delinsTT, p.Gly32Leu (NM_001193300.2, NM_001193301.2, NM_001370567.1); c.-431_-430delinsTT (NM_001370571.1); c.-385-1742_-385-1741delinsTT (NM_001370569.1); c.-158-1742_-158-1741delinsTT (NM_001370568.1); c.-159+908_-159+909delinsTT (NM_001193302.2); short protein forms G32L.
Identifiers: ClinVar variation 1478254 (VCV001478254.8), dbSNP rs2102933278, ClinGen allele CA2573131206.
Genomic context (GRCh38, chr1:156,154,672, plus strand): 5'-AGCCTCCTGGGCCTTTTCCTCTTCCAACTGCTTCAGCTGCTGCTGCCGACGACGACCGCG[GG>TT]GGGAGGCGGGCAGGGGCCCATGCCCAGGGTCAGATACTATGCAGGTAAGTGTCCGACAGC-3'
Protein context (NP_071762.2, residues 22-42): LQLLLPTTTA[Gly32Leu]GGGQGPMPRV

ClinVar aggregate classification (germline): Uncertain significance (1 of 4 stars; one submission).

Submission:

Labcorp Genetics (formerly Invitae), Labcorp
Classification: Uncertain significance. Last evaluated: 2024-01-18. Review status: criteria provided, single submitter. Criteria: Invitae Variant Classification Sherloc (09022015). Collection method: clinical testing. Allele origin: germline.
Comment: This sequence change replaces glycine, which is neutral and non-polar, with leucine, which is neutral and non-polar, at codon 32 of the SEMA4A protein (p.Gly32Leu). This variant is present in population databases (no rsID available, gnomAD 0.0008%). This variant has not been reported in the literature in individuals affected with SEMA4A-related conditions. ClinVar contains an entry for this variant (Variation ID: 1478254). An algorithm developed to predict the effect of missense changes on protein structure and function (PolyPhen-2) suggests that this variant is likely to be tolerated. In summary, the available evidence is currently insufficient to determine the role of this variant in disease. Therefore, it has been classified as a Variant of Uncertain Significance.